The following is an entry in ClinVar:

ClinVar aggregate classification (germline): Uncertain significance (1 of 4 stars; one submission).

Conditions:
Perlman syndrome (PRLMNS). Identifiers: Orphanet 2849, MedGen C0796113, MONDO:0009965, OMIM 267000.

Allele frequency attached by ClinVar (database versions not stated): gnomAD exomes below 0.00001; gnomAD 0.00001.
gnomAD v4.1: 3 of 1,613,772 alleles (0.00019%); highest among the groups gnomAD compares: Non-Finnish European, 0.00025%; no homozygotes.

Submission:

Labcorp Genetics (formerly Invitae), Labcorp
Classification: Uncertain significance for Perlman syndrome. Last evaluated: 2025-07-30. Review status: criteria provided, single submitter. Criteria: Invitae Variant Classification Sherloc (09022015). Collection method: clinical testing. Allele origin: germline.
Comment: This sequence change replaces proline, which is neutral and non-polar, with leucine, which is neutral and non-polar, at codon 364 of the DIS3L2 protein (p.Pro364Leu). This variant is not present in population databases (gnomAD no frequency). This variant has not been reported in the literature in individuals affected with DIS3L2-related conditions. ClinVar contains an entry for this variant (Variation ID: 2844628). Invitae Evidence Modeling of protein sequence and biophysical properties (such as structural, functional, and spatial information, amino acid conservation, physicochemical variation, residue mobility, and thermodynamic stability) indicates that this missense variant is not expected to disrupt DIS3L2 protein function with a negative predictive value of 80%. In summary, the available evidence is currently insufficient to determine the role of this variant in disease. Therefore, it has been classified as a Variant of Uncertain Significance.

NM_152383.5(DIS3L2):c.1091C>T (p.Pro364Leu)

Gene: DIS3L2 (DIS3 like 3'-5' exoribonuclease 2; plus strand). Cytogenetic location: 2q37.1.
Variant type: single nucleotide variant.
Coding change: c.1091C>T on transcript NM_152383.5 (MANE Select); coding-DNA position 1091, C replaced by T.
Protein change: p.Pro364Leu; replaces proline 364 with leucine.
Molecular consequence: missense variant. On other transcripts: non-coding transcript variant (2).
Genome position (GRCh38, 1-based): chr2:232,163,599, C>T. VCF-style: chr2-232163599-C-T. GRCh37 (hg19) VCF-style: chr2-233028309-C-T.
Other names: c.1091C>T, p.Pro364Leu (NM_001257281.2); short protein forms P364L.
Identifiers: ClinVar variation 2844628 (VCV002844628.3), dbSNP rs1366840602, ClinGen allele CA351154459.